The following is an entry in ClinVar:

NM_001371279.1(REEP1):c.303G>A (p.Lys101=)

Gene: REEP1 (receptor accessory protein 1; minus strand). Cytogenetic location: 2p11.2.
Variant type: single nucleotide variant.
Coding change: c.303G>A on transcript NM_001371279.1 (MANE Select); coding-DNA position 303, G replaced by A.
Protein change: p.Lys101=; no amino-acid change (lysine 101 retained).
Molecular consequence: synonymous variant. On other transcripts: intron variant (1).
Genome position (GRCh38, 1-based): chr2:86,254,694, C>T on the plus strand (G>A on the coding strand, the complement: REEP1 is on the minus strand). VCF-style: chr2-86254694-C-T. GRCh37 (hg19) VCF-style: chr2-86481817-C-T.
Other names: c.324G>A, p.Lys108= (NM_001164730.2); c.222G>A, p.Lys74= (NM_001164731.2); c.303G>A, p.Lys101= (NM_001371280.1, NM_001410855.1, NM_001410856.1 and 1 more transcripts); c.182+9271G>A (NM_001164732.2).
Identifiers: ClinVar variation 2203112 (VCV002203112.5), dbSNP rs1553461465, ClinGen allele CA427280716.

ClinVar aggregate classification (germline): Uncertain significance. Review status: criteria provided, multiple submitters, no conflicts (2 of 4 stars). 2 submissions from 2 submitters: Uncertain significance (2). Last evaluated 2022-12-08.

Conditions:
Hereditary spastic paraplegia 31. Also called: SPASTIC PARAPLEGIA 31, AUTOSOMAL DOMINANT. Identifiers: Orphanet 101011, MedGen C1853247, MONDO:0012453, OMIM 610250.

Allele frequency attached by ClinVar (database versions not stated): gnomAD exomes below 0.00001.
gnomAD v4.1: 1 of 1,613,330 alleles (0.000062%); highest among the groups gnomAD compares: East Asian, 0.0022%; no homozygotes.

Submissions (2):

Blueprint Genetics
Classification: Uncertain significance. Last evaluated: 2022-12-08. Review status: criteria provided, single submitter. Criteria: ACMG Guidelines, 2015. Collection method: clinical testing. Allele origin: germline.

Labcorp Genetics (formerly Invitae), Labcorp
Classification: Uncertain significance for Hereditary spastic paraplegia 31. Last evaluated: 2021-12-01. Review status: criteria provided, single submitter. Criteria: Invitae Variant Classification Sherloc (09022015). Collection method: clinical testing. Allele origin: germline.
Comment: This variant has been observed in individual(s) with hereditary spastic paraplegia (PMID: 18321925). In summary, the available evidence is currently insufficient to determine the role of this variant in disease. Therefore, it has been classified as a Variant of Uncertain Significance. Variants that disrupt the consensus splice site are a relatively common cause of aberrant splicing (PMID: 17576681, 9536098). Algorithms developed to predict the effect of sequence changes on RNA splicing suggest that this variant may disrupt the consensus splice site. This variant is not present in population databases (gnomAD no frequency). This sequence change affects codon 101 of the REEP1 mRNA. It is a 'silent' change, meaning that it does not change the encoded amino acid sequence of the REEP1 protein. This variant also falls at the last nucleotide of exon 4, which is part of the consensus splice site for this exon.

Literature cited by the submitters: PubMed 18321925 (cited by Labcorp Genetics (formerly Invitae), Labcorp); PubMed 17576681 (cited by Labcorp Genetics (formerly Invitae), Labcorp); PubMed 9536098 (cited by Labcorp Genetics (formerly Invitae), Labcorp).